The following is an entry in ClinVar:

ClinVar aggregate classification (germline): Likely benign. Review status: criteria provided, multiple submitters, no conflicts (2 of 4 stars). 3 submissions from 3 submitters: Likely benign (2). 1 of the submissions does not count toward it. Last evaluated 2025-12-28.

Conditions:
LOXHD1-related disorder. Also called: LOXHD1-related condition.
Autosomal recessive nonsyndromic hearing loss 77. Identifiers: Orphanet 90636, MedGen C2746083, MONDO:0013119, OMIM 613079.

Allele frequency attached by ClinVar (database versions not stated): gnomAD 0.00013 and 0.00012; ESP Exome Variant Server 0.00022; gnomAD exomes 0.00003; ExAC 0.00004; TOPMed 0.00010.

Submissions (3):

Labcorp Genetics (formerly Invitae), Labcorp
Classification: Likely benign. Last evaluated: 2025-12-28. Review status: criteria provided, single submitter. Criteria: Invitae Variant Classification Sherloc (09022015). Collection method: clinical testing. Allele origin: germline.

PreventionGenetics, part of Exact Sciences
Classification: Likely benign for LOXHD1-related condition. Last evaluated: 2024-11-21. Review status: criteria provided, single submitter. Criteria: ACMG Guidelines, 2015. Collection method: clinical testing. Allele origin: germline.
Comment: This variant is classified as likely benign based on ACMG/AMP sequence variant interpretation guidelines (Richards et al. 2015 PMID: 25741868, with internal and published modifications).

Natera, Inc.
Classification: Uncertain significance for Autosomal recessive deafness type 77. Last evaluated: 2020-01-24. Review status: no assertion criteria provided. Collection method: clinical testing. Allele origin: germline. Not counted in ClinVar's aggregate classification.

NM_001384474.1(LOXHD1):c.3852C>T (p.Asp1284=)

Gene: LOXHD1 (lipoxygenase homology PLAT domains 1; minus strand). Cytogenetic location: 18q21.1.
Variant type: single nucleotide variant.
Coding change: c.3852C>T on transcript NM_001384474.1 (MANE Select); coding-DNA position 3852, C replaced by T.
Protein change: p.Asp1284=; no amino-acid change (aspartic acid 1284 retained).
Molecular consequence: synonymous variant.
Genome position (GRCh38, 1-based): chr18:46,541,837, G>A on the plus strand (C>T on the coding strand, the complement: LOXHD1 is on the minus strand). VCF-style: chr18-46541837-G-A. GRCh37 (hg19) VCF-style: chr18-44121800-G-A.
Other names: c.519C>T, p.Asp173= (NM_001145472.3); c.231C>T, p.Asp77= (NM_001308013.2); c.3852C>T, p.Asp1284= (NM_144612.7).
Identifiers: ClinVar variation 753593 (VCV000753593.12), dbSNP rs487706, ClinGen allele CA8952426.